The following is an entry in ClinVar:

ClinVar aggregate classification (germline): Pathogenic (1 of 4 stars; one submission).

Conditions:
Familial thoracic aortic aneurysm and aortic dissection (TAAD). Also called: Thoracic aortic aneurysms and dissections. Identifiers: Orphanet 91387, MedGen C4707243, MONDO:0019625.
Marfan syndrome (MFS). Also called: MARFAN SYNDROME, TYPE I; Marfan syndrome type 1; Marfan's syndrome; Marfan syndrome, classic; FBN1-Related Marfan Syndrome. Identifiers: Orphanet 284963, Orphanet 558, MedGen C0024796, MONDO:0007947, OMIM 154700.

Submission:

Labcorp Genetics (formerly Invitae), Labcorp
Classification: Pathogenic for Marfan syndrome; Familial thoracic aortic aneurysm and aortic dissection. Last evaluated: 2022-06-08. Review status: criteria provided, single submitter. Criteria: Invitae Variant Classification Sherloc (09022015). Collection method: clinical testing. Allele origin: germline.
Comment: For these reasons, this variant has been classified as Pathogenic. This variant has not been reported in the literature in individuals affected with FBN1-related conditions. This variant is not present in population databases (gnomAD no frequency). This sequence change creates a premature translational stop signal (p.Met356Ilefs*6) in the FBN1 gene. It is expected to result in an absent or disrupted protein product. Loss-of-function variants in FBN1 are known to be pathogenic (PMID: 17657824, 19293843).

Literature cited by the submitters: PubMed 17657824; PubMed 19293843.

NM_000138.5(FBN1):c.1067dup (p.Met356fs)

Genes: FBN1 (fibrillin 1; minus strand), LOC113939944 (Sharpr-MPRA regulatory region 9539; plus strand). Cytogenetic location: 15q21.1.
Variant type: Duplication.
Coding change: c.1067dup on transcript NM_000138.5 (MANE Select); coding-DNA position 1067, one base duplicated (T; older notation c.1067dupT).
Protein change: p.Met356fs; shifts the reading frame from methionine 356.
Molecular consequence: frameshift variant.
Genome position (GRCh38, 1-based): chr15:48,520,739, A duplicated on the plus strand (T on the coding strand, the reverse complement: FBN1 is on the minus strand). VCF-style (leftmost placement, unchanged base first): chr15-48520738-C-CA. GRCh37 (hg19) VCF-style: chr15-48812935-C-CA.
Other names: c.1067dup, p.Met356Ilefs (NM_001406716.1); short protein forms M356fs.
Identifiers: ClinVar variation 2002802 (VCV002002802.4), dbSNP rs2505629043, ClinGen allele CA2580089586.
Genomic context (GRCh38, chr15:48,520,738, plus strand): 5'-CATCTCAGGGGCGACAGTGACCCCTGGAGACCAGCATCGGCCGGCATCACAGCAGCACTG[C>CA]ATTTTGGTTATGGACTGTGGCAGCTGGTTAGAGCAGCGCCCGTTTGTCAGAGCTGTGTAA-3'